The following is an entry in ClinVar:

NM_006514.4(SCN10A):c.4709C>A (p.Thr1570Lys)

Gene: SCN10A (sodium voltage-gated channel alpha subunit 10; minus strand). Cytogenetic location: 3p22.2.
Variant type: single nucleotide variant.
Coding change: c.4709C>A on transcript NM_006514.4 (MANE Select); coding-DNA position 4709, C replaced by A.
Protein change: p.Thr1570Lys; replaces threonine 1570 with lysine.
Molecular consequence: missense variant.
Genome position (GRCh38, 1-based): chr3:38,698,511, G>T on the plus strand (C>A on the coding strand, the complement: SCN10A is on the minus strand). VCF-style: chr3-38698511-G-T. GRCh37 (hg19) VCF-style: chr3-38740002-G-T.
Other names: c.4706C>A, p.Thr1569Lys (NM_001293306.2); c.4415C>A, p.Thr1472Lys (NM_001293307.2); c.4709C>A (NM_006514.2); short protein forms T1472K, T1570K, T1569K.
Identifiers: ClinVar variation 1404251 (VCV001404251.9), dbSNP rs772484960, ClinGen allele CA352155888.

ClinVar aggregate classification (germline): Uncertain significance. Review status: criteria provided, multiple submitters, no conflicts (2 of 4 stars). 2 submissions from 2 submitters: Uncertain significance (2). Last evaluated 2023-05-23.

Conditions:
Cardiovascular phenotype. Identifiers: MedGen CN230736.
Brugada syndrome. Also called: Sudden Unexplained Death Syndrome; Sudden Unexplained Nocturnal Death Syndrome (SUNDS); Sudden unexplained nocturnal death syndrome; Sudden unexpected nocturnal death syndrome. Identifiers: Orphanet 130, MedGen C1142166, MONDO:0015263.

gnomAD v4.1: 2 of 1,614,130 alleles (0.00012%); highest among the groups gnomAD compares: Admixed American, 0.0017%; no homozygotes.

Submissions (2):

Labcorp Genetics (formerly Invitae), Labcorp
Classification: Uncertain significance for Brugada syndrome. Last evaluated: 2023-05-23. Review status: criteria provided, single submitter. Criteria: Invitae Variant Classification Sherloc (09022015). Collection method: clinical testing. Allele origin: germline.
Comment: This missense change has been observed in individual(s) with clinical features of SCN10A-related conditions (PMID: 28078312). This variant is present in population databases (no rsID available, gnomAD 0.003%). This sequence change replaces threonine, which is neutral and polar, with lysine, which is basic and polar, at codon 1570 of the SCN10A protein (p.Thr1570Lys). ClinVar contains an entry for this variant (Variation ID: 1404251). In summary, the available evidence is currently insufficient to determine the role of this variant in disease. Therefore, it has been classified as a Variant of Uncertain Significance. Algorithms developed to predict the effect of sequence changes on RNA splicing suggest that this variant may disrupt the consensus splice site. Advanced modeling of protein sequence and biophysical properties (such as structural, functional, and spatial information, amino acid conservation, physicochemical variation, residue mobility, and thermodynamic stability) performed at Invitae indicates that this missense variant is expected to disrupt SCN10A protein function.

Ambry Genetics
Classification: Uncertain significance for Cardiovascular phenotype. Last evaluated: 2023-04-20. Review status: criteria provided, single submitter. Criteria: Ambry Variant Classification Scheme 2023. Collection method: clinical testing. Allele origin: germline.
Comment: The p.T1570K variant (also known as c.4709C>A), located in coding exon 27 of the SCN10A gene, results from a C to A substitution at nucleotide position 4709. The threonine at codon 1570 is replaced by lysine, an amino acid with similar properties. This amino acid position is highly conserved in available vertebrate species. In addition, this alteration is predicted to be deleterious by in silico analysis. The evidence for this gene-disease relationship is limited; therefore, the clinical significance of this alteration is unclear.

Literature cited by the submitters: PubMed 28078312 (cited by Labcorp Genetics (formerly Invitae), Labcorp).